The following is an entry in ClinVar:

NM_004304.5(ALK):c.806A>G (p.Asp269Gly)

Gene: ALK (ALK receptor tyrosine kinase; minus strand). Cytogenetic location: 2p23.2.
Variant type: single nucleotide variant.
Coding change: c.806A>G on transcript NM_004304.5 (MANE Select); coding-DNA position 806, A replaced by G.
Protein change: p.Asp269Gly; replaces aspartic acid 269 with glycine.
Molecular consequence: missense variant.
Genome position (GRCh38, 1-based): chr2:29,694,996, T>C on the plus strand (A>G on the coding strand, the complement: ALK is on the minus strand). VCF-style: chr2-29694996-T-C. GRCh37 (hg19) VCF-style: chr2-29917862-T-C.
Other names: short protein forms D269G.
Identifiers: ClinVar variation 3523409 (VCV003523409.3).
Genomic context (GRCh38, chr2:29,694,996, plus strand): 5'-GACCAGCTCTGGTTCCTGAGGTCATGCAGTGGAGGGGAATACTCCAGCTCACAGGGGAAG[T>C]CAAAGCTGCACTCCAGACCTGCAATAATAGCCAAGGGTCAATGGAAAAAACCATTTCCCA-3'
Protein context (NP_004295.2, residues 259-279): RSRYGLECSF[Asp269Gly]FPCELEYSPP

ClinVar aggregate classification (germline): Uncertain significance. Review status: criteria provided, multiple submitters, no conflicts (2 of 4 stars). 2 submissions from 2 submitters: Uncertain significance (2). Last evaluated 2024-08-22.

Conditions:
Neuroblastoma, susceptibility to, 3. Also called: ALK-Related Neuroblastic Tumor Susceptibility. Identifiers: Orphanet 635, MedGen C2751681, MONDO:0013083, OMIM 613014.
Hereditary cancer-predisposing syndrome. Also called: Hereditary Cancer Syndrome; Hereditary neoplastic syndrome; Neoplastic Syndromes, Hereditary; Tumor predisposition. Identifiers: Orphanet 140162, MedGen C0027672, MeSH D009386, MONDO:0015356.

gnomAD v4.1: 6 of 1,613,912 alleles (0.00037%); highest among the groups gnomAD compares: East Asian, 0.011%; no homozygotes.

Submissions (2):

Ambry Genetics
Classification: Uncertain significance for Hereditary cancer-predisposing syndrome. Last evaluated: 2024-08-22. Review status: criteria provided, single submitter. Criteria: Ambry Variant Classification Scheme 2023. Collection method: clinical testing. Allele origin: germline.
Comment: The p.D269G variant (also known as c.806A>G), located in coding exon 3 of the ALK gene, results from an A to G substitution at nucleotide position 806. The aspartic acid at codon 269 is replaced by glycine, an amino acid with similar properties. This amino acid position is conserved. In addition, this alteration is predicted to be tolerated by in silico analysis. Based on the available evidence, the clinical significance of this variant remains unclear.

Labcorp Genetics (formerly Invitae), Labcorp
Classification: Uncertain significance for Neuroblastoma, susceptibility to, 3. Last evaluated: 2024-03-02. Review status: criteria provided, single submitter. Criteria: Invitae Variant Classification Sherloc (09022015). Collection method: clinical testing. Allele origin: germline.
Comment: This sequence change replaces aspartic acid, which is acidic and polar, with glycine, which is neutral and non-polar, at codon 269 of the ALK protein (p.Asp269Gly). This variant is not present in population databases (gnomAD no frequency). This variant has not been reported in the literature in individuals affected with ALK-related conditions. An algorithm developed to predict the effect of missense changes on protein structure and function (PolyPhen-2) suggests that this variant is likely to be tolerated. In summary, the available evidence is currently insufficient to determine the role of this variant in disease. Therefore, it has been classified as a Variant of Uncertain Significance.